The following is an entry in ClinVar:

ClinVar aggregate classification (germline): Conflicting classifications of pathogenicity. Review status: criteria provided, conflicting classifications (1 of 4 stars). 2 submissions from 2 submitters: Likely pathogenic (1); Uncertain significance (1). Last evaluated 2025-01-08.

Conditions:
Mitochondrial complex IV deficiency, nuclear type 3. Also called: Mitochondrial complex 4 deficiency, nuclear type 3. Identifiers: MedGen C5436682, MONDO:0033635, OMIM 619046.

gnomAD v4.1: 5 of 1,613,962 alleles (0.00031%); highest among the groups gnomAD compares: Middle Eastern, 0.017%; no homozygotes.

Submissions (3):

First Genomix Gene Laboratory, Genetic Diagnostics Department
Classification: Likely pathogenic for Mitochondrial complex IV deficiency, nuclear type 3. Last evaluated: 2025-01-08. Review status: criteria provided, single submitter. Criteria: ACMG Guidelines, 2015. Collection method: clinical testing. Allele origin: germline. Inheritance: Autosomal recessive inheritance. Affected: no. Observed: 1 variant allele.

Labcorp Genetics (formerly Invitae), Labcorp
Classification: Uncertain significance. Last evaluated: 2022-03-01. Review status: criteria provided, single submitter. Criteria: Invitae Variant Classification Sherloc (09022015). Collection method: clinical testing. Allele origin: germline.
Comment: This sequence change replaces arginine, which is basic and polar, with tryptophan, which is neutral and slightly polar, at codon 339 of the COX10 protein (p.Arg339Trp). The frequency data for this variant in the population databases is considered unreliable, as metrics indicate poor data quality at this position in the gnomAD database. This missense change has been observed in individual(s) with COX10-related conditions (PMID: 24100867). Algorithms developed to predict the effect of missense changes on protein structure and function are either unavailable or do not agree on the potential impact of this missense change (SIFT: "Deleterious"; PolyPhen-2: "Probably Damaging"; Align-GVGD: "Class C15"). Experimental studies have shown that this missense change affects COX10 function (PMID: 24100867). In summary, the available evidence is currently insufficient to determine the role of this variant in disease. Therefore, it has been classified as a Variant of Uncertain Significance.

Johnston Lab, North Central College
No classification provided (evidence only). Review status: no classification provided. Collection method: in vitro. Allele origin: not applicable. Functional consequence: loss_of_function_variant. Not counted in ClinVar's aggregate classification.
ClinVar note: "not provided" was previously submitted as the classification for the variant. However, the classification appeared to be based only on an observation of functional data so it was converted to no classification on 2025-07-30.

Literature cited by the submitters: PubMed 24100867 (cited by Labcorp Genetics (formerly Invitae), Labcorp).

NM_001303.4(COX10):c.1015C>T (p.Arg339Trp)

Gene: COX10 (cytochrome c oxidase assembly factor heme A:farnesyltransferase COX10; plus strand). Cytogenetic location: 17p12.
Variant type: single nucleotide variant.
Coding change: c.1015C>T on transcript NM_001303.4 (MANE Select); coding-DNA position 1015, C replaced by T.
Protein change: p.Arg339Trp; replaces arginine 339 with tryptophan.
Molecular consequence: missense variant.
Genome position (GRCh38, 1-based): chr17:14,206,896, C>T. VCF-style: chr17-14206896-C-T. GRCh37 (hg19) VCF-style: chr17-14110213-C-T.
Other names: short protein forms R339W.
Identifiers: ClinVar variation 2137929 (VCV002137929.7), dbSNP rs1301537803, ClinGen allele CA398226020.